The following is an entry in ClinVar:

NM_020884.7(MYH7B):c.4063G>A (p.Glu1355Lys)

Gene: MYH7B (myosin heavy chain 7B; plus strand). Cytogenetic location: 20q11.22.
Variant type: single nucleotide variant.
Coding change: c.4063G>A on transcript NM_020884.7 (MANE Select); coding-DNA position 4063, G replaced by A.
Protein change: p.Glu1355Lys; replaces glutamic acid 1355 with lysine.
Molecular consequence: missense variant.
Genome position (GRCh38, 1-based): chr20:34,998,788, G>A. VCF-style: chr20-34998788-G-A. GRCh37 (hg19) VCF-style: chr20-33586591-G-A.
Other names: short protein forms E1355K.
Identifiers: ClinVar variation 1993369 (VCV001993369.4), dbSNP rs2082311337, ClinGen allele CA408713315.

ClinVar aggregate classification (germline): Uncertain significance (1 of 4 stars; one submission).

Allele frequency attached by ClinVar (database versions not stated): gnomAD 0.00001; TOPMed 0.00001; gnomAD exomes below 0.00001.
gnomAD v4.1: 7 of 1,613,022 alleles (0.00043%); highest among the groups gnomAD compares: African/African-American, 0.0013%; no homozygotes.

Submission:

Labcorp Genetics (formerly Invitae), Labcorp
Classification: Uncertain significance. Last evaluated: 2025-05-05. Review status: criteria provided, single submitter. Criteria: Invitae Variant Classification Sherloc (09022015). Collection method: clinical testing. Allele origin: germline.
Comment: This sequence change replaces glutamic acid, which is acidic and polar, with lysine, which is basic and polar, at codon 1397 of the MYH7B protein (p.Glu1397Lys). This variant is not present in population databases (gnomAD no frequency). This variant has not been reported in the literature in individuals affected with MYH7B-related conditions. ClinVar contains an entry for this variant (Variation ID: 1993369). Invitae Evidence Modeling of protein sequence and biophysical properties (such as structural, functional, and spatial information, amino acid conservation, physicochemical variation, residue mobility, and thermodynamic stability) indicates that this missense variant is expected to disrupt MYH7B protein function with a positive predictive value of 80%. In summary, the available evidence is currently insufficient to determine the role of this variant in disease. Therefore, it has been classified as a Variant of Uncertain Significance.